The following is an entry in ClinVar:

NM_000038.6(APC):c.7250C>G (p.Ser2417Cys)

Gene: APC (APC regulator of Wnt signaling pathway; plus strand). Cytogenetic location: 5q22.2.
Variant type: single nucleotide variant.
Coding change: c.7250C>G on transcript NM_000038.6 (MANE Select); coding-DNA position 7250, C replaced by G.
Protein change: p.Ser2417Cys; replaces serine 2417 with cysteine.
Molecular consequence: missense variant.
Genome position (GRCh38, 1-based): chr5:112,842,844, C>G. VCF-style: chr5-112842844-C-G. GRCh37 (hg19) VCF-style: chr5-112178541-C-G.
Other names: c.7250C>G, p.Ser2417Cys (NM_001127510.3, NM_001354895.2, NM_001407450.1); c.7196C>G, p.Ser2399Cys (NM_001127511.3); c.7304C>G, p.Ser2435Cys (NM_001354896.2, NM_001407447.1, NM_001407448.1 and 1 more transcripts); c.7280C>G, p.Ser2427Cys (NM_001354897.2); c.7175C>G, p.Ser2392Cys (NM_001354898.2); c.7166C>G, p.Ser2389Cys (NM_001354899.2); c.7127C>G, p.Ser2376Cys (NM_001354900.2); c.7073C>G, p.Ser2358Cys (NM_001354901.2, NM_001407453.1); and 11 more; short protein forms S2134C, S2257C, S2392C, S2316C, S2334C, S2376C, S2389C, S2445C.
Identifiers: ClinVar variation 2100949 (VCV002100949.4), dbSNP rs1201812680, ClinGen allele CA16037125.

ClinVar aggregate classification (germline): Uncertain significance (1 of 4 stars; one submission).

Conditions:
Familial adenomatous polyposis 1 (FAP1). Also called: FAMILIAL ADENOMATOUS POLYPOSIS 1, ATTENUATED; POLYPOSIS, ADENOMATOUS INTESTINAL. Identifiers: MedGen C2713442, MONDO:0021056, OMIM 175100. Disease mechanism: loss of function.

gnomAD v4.1: 2 of 1,613,868 alleles (0.00012%); highest among the groups gnomAD compares: South Asian, 0.0011%; no homozygotes.

Submission:

Labcorp Genetics (formerly Invitae), Labcorp
Classification: Uncertain significance for Familial adenomatous polyposis 1. Last evaluated: 2024-08-06. Review status: criteria provided, single submitter. Criteria: Invitae Variant Classification Sherloc (09022015). Collection method: clinical testing. Allele origin: germline.
Comment: This sequence change replaces serine, which is neutral and polar, with cysteine, which is neutral and slightly polar, at codon 2417 of the APC protein (p.Ser2417Cys). This variant is present in population databases (no rsID available, gnomAD 0.003%). This variant has not been reported in the literature in individuals affected with APC-related conditions. ClinVar contains an entry for this variant (Variation ID: 2100949). Advanced modeling of protein sequence and biophysical properties (such as structural, functional, and spatial information, amino acid conservation, physicochemical variation, residue mobility, and thermodynamic stability) performed at Invitae indicates that this missense variant is not expected to disrupt APC protein function with a negative predictive value of 95%. In summary, the available evidence is currently insufficient to determine the role of this variant in disease. Therefore, it has been classified as a Variant of Uncertain Significance.